The following is an entry in ClinVar:

NM_000059.4(BRCA2):c.3322A>T (p.Lys1108Ter)

Gene: BRCA2 (BRCA2 DNA repair associated; plus strand). Cytogenetic location: 13q13.1.
Variant type: single nucleotide variant.
Coding change: c.3322A>T on transcript NM_000059.4 (MANE Select); coding-DNA position 3322, A replaced by T.
Protein change: p.Lys1108Ter; replaces lysine 1108 with a stop codon.
Molecular consequence: nonsense.
Genome position (GRCh38, 1-based): chr13:32,337,677, A>T. VCF-style: chr13-32337677-A-T. GRCh37 (hg19) VCF-style: chr13-32911814-A-T.
Other names: short protein forms K1108*.
Identifiers: ClinVar variation 430599 (VCV000430599.3), dbSNP rs1555283169, ClinGen allele CA387776244.
Genomic context (GRCh38, chr13:32,337,677, plus strand): 5'-CCTCAGATGTTATTTTCCAAGCAGGATTTTAATTCAAACCATAATTTAACACCTAGCCAA[A>T]AGGCAGAAATTACAGAACTTTCTACTATATTAGAAGAATCAGGAAGTCAGTTTGAATTTA-3'

ClinVar aggregate classification (germline): Pathogenic. Review status: reviewed by expert panel (3 of 4 stars). 2 submissions from 2 submitters: Pathogenic (1). 1 of the submissions does not count toward it. Last evaluated 2017-12-15.

Conditions:
Breast-ovarian cancer, familial, susceptibility to, 2 (BROVCA2). Also called: BRCA2 Hereditary Breast and Ovarian Cancer. Identifiers: Orphanet 145, MedGen C2675520, MONDO:0012933, OMIM 612555. Disease mechanism: loss of function.
Breast neoplasm. Also called: Breast Neoplasms; Neoplasm of the breast; Neoplasm of breast; Breast tumor. Identifiers: MedGen C1458155, MeSH D001943, MONDO:0021100, HP:0100013. Disease mechanism: gain of function.

Submissions (2):

Evidence-based Network for the Interpretation of Germline Mutant Alleles (ENIGMA)
Classification: Pathogenic for Breast-ovarian cancer, familial, susceptibility to, 2. Last evaluated: 2017-12-15. Review status: reviewed by expert panel. Criteria: ENIGMA BRCA1/2 Classification Criteria (2017-06-29). Collection method: curation. Allele origin: germline. Study: ENIGMA.
Comment: Variant allele predicted to encode a truncated non-functional protein.

Yang An-Suei Laboratory, Academia Sinica
Classification: Pathogenic for breast cancer. Review status: criteria provided, single submitter. Criteria: Submitter's publication. Collection method: clinical testing. Allele origin: germline. Affected: yes. Not counted in ClinVar's aggregate classification.